The following is an entry in ClinVar:

ClinVar aggregate classification (germline): Conflicting classifications of pathogenicity. Review status: criteria provided, conflicting classifications (1 of 4 stars). 7 submissions from 7 submitters: Uncertain significance (5); Likely benign (2). Last evaluated 2026-05-11.

Conditions:
Neuropathy, hereditary sensory, type 2C. Also called: KIF1A-Related HSAN2 (HSAN2C); Hereditary sensory and autonomic neuropathy type IIC. Identifiers: Orphanet 970, MedGen C3280168, MONDO:0013634, OMIM 614213.
Intellectual disability, autosomal dominant 9 (NESCAVS). Also called: KIF1A-Related Neurodevelopmental Disorder; NESCAV SYNDROME. Identifiers: Orphanet 662367, MedGen C5393830, MONDO:0013656, OMIM 614255.
Hereditary spastic paraplegia 30. Identifiers: Orphanet 101010, MedGen C5235139, MONDO:0012476.
KIF1A-related disorder. Also called: KIF1A-related disorders; KIF1A-related condition.
Hereditary spastic paraplegia. Also called: Familial spastic paraparesis. Identifiers: Orphanet 685, MedGen C0037773, MONDO:0019064. Disease mechanism: loss of function.
Inborn genetic diseases. Identifiers: MedGen C0950123, MeSH D030342.

Allele frequency attached by ClinVar (database versions not stated): gnomAD exomes 0.00010 and 0.00020; TOPMed 0.00011; gnomAD 0.00012 and 0.00013; ExAC 0.00014; ESP Exome Variant Server 0.00016.
gnomAD v4.1: 306 of 1,612,196 alleles (0.019%); highest among the groups gnomAD compares: Non-Finnish European, 0.024%; no homozygotes.

Submissions (7):

PreventionGenetics, part of Exact Sciences
Classification: Likely benign for KIF1A-related condition. Last evaluated: 2026-05-11. Review status: criteria provided, single submitter. Criteria: ACMG Guidelines, 2015. Collection method: clinical testing. Allele origin: germline.
Comment: This variant is classified as likely benign based on ACMG/AMP sequence variant interpretation guidelines (Richards et al. 2015 PMID: 25741868, with internal and published modifications).

Labcorp Genetics (formerly Invitae), Labcorp
Classification: Likely benign for Hereditary spastic paraplegia 30; Neuropathy, hereditary sensory, type 2C; Intellectual disability, autosomal dominant 9. Last evaluated: 2026-01-05. Review status: criteria provided, single submitter. Criteria: Invitae Variant Classification Sherloc (09022015). Collection method: clinical testing. Allele origin: germline.

Blueprint Genetics
Classification: Uncertain significance. Last evaluated: 2024-11-06. Review status: criteria provided, single submitter. Criteria: ACMG Guidelines, 2015. Collection method: clinical testing. Allele origin: germline.

GeneDx
Classification: Uncertain significance. Last evaluated: 2023-04-11. Review status: criteria provided, single submitter. Criteria: GeneDx Variant Classification Process June 2021. Collection method: clinical testing. Allele origin: germline. Affected: yes.
Comment: In silico analysis supports that this missense variant does not alter protein structure/function; Has not been previously published as pathogenic or benign to our knowledge

Ambry Genetics
Classification: Uncertain significance for Inborn genetic diseases. Last evaluated: 2022-01-27. Review status: criteria provided, single submitter. Criteria: Ambry Variant Classification Scheme 2023. Collection method: clinical testing. Allele origin: germline.
Comment: The p.A1436T variant (also known as c.4306G>A), located in coding exon 40 of the KIF1A gene, results from a G to A substitution at nucleotide position 4306. The alanine at codon 1436 is replaced by threonine, an amino acid with similar properties. This amino acid position is not well conserved in available vertebrate species. In addition, this alteration is predicted to be tolerated by in silico analysis. The evidence for this gene-disease relationship is limited; therefore, the clinical significance of this alteration is unclear.

Illumina Laboratory Services, Illumina
Classification: Uncertain significance for Spastic paraplegia 30A, autosomal dominant. Last evaluated: 2018-01-12. Review status: criteria provided, single submitter. Criteria: ICSL Variant Classification Criteria 13 December 2019. Collection method: clinical testing. Allele origin: germline.

Genome Diagnostics Laboratory, The Hospital for Sick Children
Classification: Uncertain significance for Hereditary spastic paraplegia. Last evaluated: 2016-12-12. Review status: criteria provided, single submitter. Criteria: ACMG Guidelines, 2015. Collection method: clinical testing. Allele origin: germline. Affected: yes.

NM_001244008.2(KIF1A):c.4306G>A (p.Ala1436Thr)

Gene: KIF1A (kinesin family member 1A; minus strand). Cytogenetic location: 2q37.3.
Variant type: single nucleotide variant.
Coding change: c.4306G>A on transcript NM_001244008.2 (MANE Select); coding-DNA position 4306, G replaced by A.
Protein change: p.Ala1436Thr; replaces alanine 1436 with threonine.
Molecular consequence: missense variant.
Genome position (GRCh38, 1-based): chr2:240,723,987, C>T on the plus strand (G>A on the coding strand, the complement: KIF1A is on the minus strand). VCF-style: chr2-240723987-C-T. GRCh37 (hg19) VCF-style: chr2-241663404-C-T.
Other names: c.4030G>A, p.Ala1344Thr (NM_001320705.2, NM_001379649.1); c.4057G>A, p.Ala1353Thr (NM_001330289.2); c.4105G>A, p.Ala1369Thr (NM_001330290.2, NM_001379648.1); c.4381G>A, p.Ala1461Thr (NM_001379631.1); c.4282G>A, p.Ala1428Thr (NM_001379632.1); c.4279G>A, p.Ala1427Thr (NM_001379633.1, NM_001379645.1); c.4132G>A, p.Ala1378Thr (NM_001379634.1); c.4129G>A, p.Ala1377Thr (NM_001379635.1, NM_001379646.1); and 7 more; short protein forms A1335T, A1436T, A1369T, A1344T, A1353T, A1334T, A1343T, A1352T.
Identifiers: ClinVar variation 565837 (VCV000565837.26), dbSNP rs200126737, ClinGen allele CA2207431.